The following is an entry in ClinVar:

ClinVar aggregate classification (germline): Uncertain significance. Review status: criteria provided, multiple submitters, no conflicts (2 of 4 stars). 3 submissions from 3 submitters: Uncertain significance (3). Last evaluated 2025-04-15.

Conditions:
PLXNA2-related disorder. Also called: PLXNA2-related condition.

Allele frequency attached by ClinVar (database versions not stated): TOPMed 0.00001; 1000 Genomes Project 30x 0.00016.
gnomAD v4.1: 21 of 1,614,152 alleles (0.0013%); highest among the groups gnomAD compares: East Asian, 0.022%; no homozygotes.

Submissions (3):

Ambry Genetics
Classification: Uncertain significance. Last evaluated: 2025-04-15. Review status: criteria provided, single submitter. Criteria: Ambry Variant Classification Scheme 2023. Collection method: clinical testing. Allele origin: germline.

PreventionGenetics, part of Exact Sciences
Classification: Uncertain significance for PLXNA2-related condition. Last evaluated: 2024-10-10. Review status: criteria provided, single submitter. Criteria: ACMG Guidelines, 2015. Collection method: clinical testing. Allele origin: germline.
Comment: The PLXNA2 c.2767G>A variant is predicted to result in the amino acid substitution p.Val923Met. To our knowledge, this variant has not been reported in the literature. This variant is reported in 0.022% of alleles in individuals of East Asian descent in gnomAD. At this time, the clinical significance of this variant is uncertain due to the absence of conclusive functional and genetic evidence.

Labcorp Genetics (formerly Invitae), Labcorp
Classification: Uncertain significance. Last evaluated: 2022-01-13. Review status: criteria provided, single submitter. Criteria: Invitae Variant Classification Sherloc (09022015). Collection method: clinical testing. Allele origin: germline.
Comment: This variant has not been reported in the literature in individuals affected with PLXNA2-related conditions. Algorithms developed to predict the effect of missense changes on protein structure and function output the following: SIFT: "Tolerated"; PolyPhen-2: "Benign"; Align-GVGD: "Class C0". The methionine amino acid residue is found in multiple mammalian species, which suggests that this missense change does not adversely affect protein function. In summary, the available evidence is currently insufficient to determine the role of this variant in disease. Therefore, it has been classified as a Variant of Uncertain Significance. This variant is present in population databases (rs765055718, gnomAD 0.02%). This sequence change replaces valine, which is neutral and non-polar, with methionine, which is neutral and non-polar, at codon 923 of the PLXNA2 protein (p.Val923Met).

NM_025179.4(PLXNA2):c.2767G>A (p.Val923Met)

Gene: PLXNA2 (plexin A2; minus strand). Cytogenetic location: 1q32.2.
Variant type: single nucleotide variant.
Coding change: c.2767G>A on transcript NM_025179.4 (MANE Select); coding-DNA position 2767, G replaced by A.
Protein change: p.Val923Met; replaces valine 923 with methionine.
Molecular consequence: missense variant.
Genome position (GRCh38, 1-based): chr1:208,054,510, C>T on the plus strand (G>A on the coding strand, the complement: PLXNA2 is on the minus strand). VCF-style: chr1-208054510-C-T. GRCh37 (hg19) VCF-style: chr1-208227855-C-T.
Other names: c.2767G>A (NM_025179.3); short protein forms V923M.
Identifiers: ClinVar variation 1896758 (VCV001896758.7), dbSNP rs765055718, ClinGen allele CA1373406.
Genomic context (GRCh38, chr1:208,054,510, plus strand): 5'-TCATGAACTCTGGCTTACACTCGCCAATACACAGGCGTACTGGCCCGGAGGTGGTTCCCA[C>T]GAGGGCATGGCCCATCTCACAGACAATCCTGGGGAGAAAGCAAACCTTCTGGTGAGGGAC-3'
Protein context (NP_079455.3, residues 913-933): QIVCEMGHAL[Val923Met]GTTSGPVRLC